The following is an entry in ClinVar:

NM_003072.5(SMARCA4):c.930C>A (p.Arg310=)

Gene: SMARCA4 (SWI/SNF related BAF chromatin remodeling complex subunit ATPase 4; plus strand). Cytogenetic location: 19p13.2.
Variant type: single nucleotide variant.
Coding change: c.930C>A on transcript NM_003072.5 (MANE Select); coding-DNA position 930, C replaced by A.
Protein change: p.Arg310=; no amino-acid change (arginine 310 retained).
Molecular consequence: synonymous variant. On other transcripts: non-coding transcript variant (1).
Genome position (GRCh38, 1-based): chr19:10,987,736, C>A. VCF-style: chr19-10987736-C-A. GRCh37 (hg19) VCF-style: chr19-11098412-C-A.
Other names: c.930C>A, p.Arg310= (NM_001128844.3, NM_001128845.2, NM_001128846.2 and 5 more transcripts).
Identifiers: ClinVar variation 126367 (VCV000126367.36), dbSNP rs146141457, ClinGen allele CA151125.

ClinVar aggregate classification (germline): Benign/Likely benign. Review status: criteria provided, multiple submitters, no conflicts (2 of 4 stars). 10 submissions from 10 submitters: Benign (7); Likely benign (2). 1 of the submissions does not count toward it. Last evaluated 2026-07-09.

Conditions:
Coffin-Siris syndrome. Identifiers: Orphanet 1465, MedGen C0265338, MONDO:0015452.
Hereditary cancer-predisposing syndrome. Also called: Neoplastic Syndromes, Hereditary; Tumor predisposition; Hereditary neoplastic syndrome; Hereditary Cancer Syndrome. Identifiers: Orphanet 140162, MedGen C0027672, MeSH D009386, MONDO:0015356.
Intellectual disability, autosomal dominant 16 (CSS4). Also called: COFFIN-SIRIS SYNDROME 4. Identifiers: Orphanet 1465, MedGen C3553249, MONDO:0013821, OMIM 614609.
Rhabdoid tumor predisposition syndrome 2 (RTPS2). Identifiers: Orphanet 231108, Orphanet 69077, MedGen C2750074, MONDO:0013224, OMIM 613325.

Allele frequency attached by ClinVar (database versions not stated): gnomAD exomes 0.00073 and 0.00194; gnomAD 0.00789 and 0.00837; TOPMed 0.00832; 1000 Genomes Project 0.00839; 1000 Genomes Project 30x 0.00906; ESP Exome Variant Server 0.00987; ExAC 0.00260.
gnomAD v4.1: 2,320 of 1,605,658 alleles (0.14%); highest among the groups gnomAD compares: African/African-American, 2.8%; 33 homozygotes.

Submissions (10):

Myriad Genetics, Inc.
Classification: Benign for Rhabdoid tumor predisposition syndrome 2. Last evaluated: 2026-07-09. Review status: criteria provided, single submitter. Criteria: Myriad Autosomal Dominant, Autosomal Recessive and X-Linked Classification Criteria (2023). Collection method: clinical testing. Allele origin: unknown.
Comment: This variant is considered benign. This variant is a silent/synonymous amino acid change and it is not expected to impact splicing.

Labcorp Genetics (formerly Invitae), Labcorp
Classification: Benign for Rhabdoid tumor predisposition syndrome 2. Last evaluated: 2026-02-04. Review status: criteria provided, single submitter. Criteria: Invitae Variant Classification Sherloc (09022015). Collection method: clinical testing. Allele origin: germline.

Quest Diagnostics Nichols Institute San Juan Capistrano
Classification: Benign. Last evaluated: 2025-07-12. Review status: criteria provided, single submitter. Criteria: Quest Diagnostics criteria. Collection method: clinical testing. Allele origin: unknown.

ARUP Laboratories, Molecular Genetics and Genomics, ARUP Laboratories
Classification: Benign. Last evaluated: 2025-03-27. Review status: criteria provided, single submitter. Criteria: ARUP Molecular Germline Variant Investigation Process 2024. Collection method: clinical testing. Allele origin: germline.

Genome-Nilou Lab
Classification: Benign for Intellectual disability, autosomal dominant 16. Last evaluated: 2021-07-15. Review status: criteria provided, single submitter. Criteria: ACMG Guidelines, 2015. Collection method: clinical testing. Allele origin: germline. Affected: no.

GeneDx
Classification: Likely benign. Last evaluated: 2021-01-13. Review status: criteria provided, single submitter. Criteria: GeneDx Variant Classification Process June 2021. Collection method: clinical testing. Allele origin: germline. Affected: yes.

Illumina Laboratory Services, Illumina
Classification: Benign for Coffin-Siris syndrome. Last evaluated: 2018-01-13. Review status: criteria provided, single submitter. Criteria: ICSL Variant Classification Criteria 13 December 2019. Collection method: clinical testing. Allele origin: germline.
Comment: This variant was observed in the ICSL laboratory as part of a predisposition screen in an ostensibly healthy population. It had not been previously curated by ICSL or reported in the Human Gene Mutation Database (HGMD: prior to June 1st, 2018), and was therefore a candidate for classification through an automated scoring system. Utilizing variant allele frequency, disease prevalence and penetrance estimates, and inheritance mode, an automated score was calculated to assess if this variant is too frequent to cause the disease. Based on the score and internal cut-off values, a variant classified as benign is not then subjected to further curation. The score for this variant resulted in a classification of benign for this disease.

Ambry Genetics
Classification: Benign for Hereditary cancer-predisposing syndrome. Last evaluated: 2015-05-20. Review status: criteria provided, single submitter. Criteria: Ambry Variant Classification Scheme 2023. Collection method: clinical testing. Allele origin: germline.

Breakthrough Genomics
Classification: Likely benign. Review status: criteria provided, single submitter. Criteria: ACMG Guidelines, 2015. Collection method: not provided. Allele origin: germline. Inheritance: Autosomal dominant inheritance. Affected: yes.

Genetic Services Laboratory, University of Chicago
Classification: Likely benign for AllHighlyPenetrant. Review status: no assertion criteria provided. Collection method: clinical testing. Allele origin: germline. Inheritance: Autosomal dominant inheritance. Observed: 1 variant allele. Not counted in ClinVar's aggregate classification.
Comment: Likely benign based on allele frequency in 1000 Genomes Project or ESP global frequency and its presence in a patient with a rare or unrelated disease phenotype. NOT Sanger confirmed.